The following is an entry in ClinVar:

ClinVar aggregate classification (germline): Uncertain significance (1 of 4 stars; one submission).

Submission:

Labcorp Genetics (formerly Invitae), Labcorp
Classification: Uncertain significance. Last evaluated: 2021-07-30. Review status: criteria provided, single submitter. Criteria: Invitae Variant Classification Sherloc (09022015). Collection method: clinical testing. Allele origin: germline.
Comment: This sequence change replaces proline with threonine at codon 267 of the HOMER2 protein (p.Pro267Thr). The proline residue is highly conserved and there is a small physicochemical difference between proline and threonine. In summary, the available evidence is currently insufficient to determine the role of this variant in disease. Therefore, it has been classified as a Variant of Uncertain Significance. Algorithms developed to predict the effect of missense changes on protein structure and function are either unavailable or do not agree on the potential impact of this missense change (SIFT: "Deleterious"; PolyPhen-2: "Probably Damaging"; Align-GVGD: "Class C0"). This variant has not been reported in the literature in individuals affected with HOMER2-related conditions. This variant is not present in population databases (ExAC no frequency).

NM_004839.4(HOMER2):c.799C>A (p.Pro267Thr)

Gene: HOMER2 (homer scaffold protein 2; minus strand). Cytogenetic location: 15q25.2.
Variant type: single nucleotide variant.
Coding change: c.799C>A on transcript NM_004839.4 (MANE Select); coding-DNA position 799, C replaced by A.
Protein change: p.Pro267Thr; replaces proline 267 with threonine.
Molecular consequence: missense variant.
Genome position (GRCh38, 1-based): chr15:82,851,195, G>T on the plus strand (C>A on the coding strand, the complement: HOMER2 is on the minus strand). VCF-style: chr15-82851195-G-T. GRCh37 (hg19) VCF-style: chr15-83519947-G-T.
Other names: c.832C>A, p.Pro278Thr (NM_199330.3); short protein forms P267T, P278T.
Identifiers: ClinVar variation 1506637 (VCV001506637.6), dbSNP rs1186308099, ClinGen allele CA393319994.